The following is an entry in ClinVar:

NM_152515.5(CKAP2L):c.2058T>C (p.Pro686=)

Genes: CKAP2L (cytoskeleton associated protein 2L; minus strand), NT5DC4 (5'-nucleotidase domain containing 4; plus strand). Cytogenetic location: 2q14.1.
Variant type: single nucleotide variant.
Coding change: c.2058T>C on transcript NM_152515.5 (MANE Select); coding-DNA position 2058, T replaced by C.
Protein change: p.Pro686=; no amino-acid change (proline 686 retained).
Molecular consequence: synonymous variant. On other transcripts: non-coding transcript variant (1), 3 prime UTR variant (1), intron variant (1).
Genome position (GRCh38, 1-based): chr2:112,739,003, A>G on the plus strand (T>C on the coding strand, the complement: CKAP2L is on the minus strand). VCF-style: chr2-112739003-A-G. GRCh37 (hg19) VCF-style: chr2-113496580-A-G.
Other names: c.1563T>C, p.Pro521= (NM_001304361.2); c.*67A>G (NM_001393655.1); c.1249-3409A>G (NM_001350494.2).
Identifiers: ClinVar variation 719773 (VCV000719773.13), dbSNP rs56756055, ClinGen allele CA1836476.
Genomic context (GRCh38, chr2:112,739,003, plus strand): 5'-TTCCTGCAGCATTTCTGGGTAGCGGGACACTGCTCGCTCAATCCTCGACGAACGCCGTAC[A>G]GGAGTGATAAATTTCATGTCTTGCACTTCCGGCATCCCATTTATTCTGAGAGACAGCAAG-3'
Protein context (NP_689728.3, residues 676-696): PEVQDMKFIT[Pro686=]VRRSSRIERA

ClinVar aggregate classification (germline): Benign/Likely benign. Review status: criteria provided, multiple submitters, no conflicts (2 of 4 stars). 4 submissions from 4 submitters: Benign (3); Likely benign (1). Last evaluated 2026-06-29.

Conditions:
CKAP2L-related disorder. Also called: CKAP2L-related condition.

Allele frequency attached by ClinVar (database versions not stated): gnomAD exomes 0.00052 and 0.00145; ExAC 0.00180; gnomAD 0.00568 and 0.00619; TOPMed 0.00629; 1000 Genomes Project 0.00679; 1000 Genomes Project 30x 0.00687; ESP Exome Variant Server 0.00792.
gnomAD v4.1: 1,663 of 1,614,232 alleles (0.1%); highest among the groups gnomAD compares: African/African-American, 2%; 21 homozygotes.

Submissions (4):

PreventionGenetics, part of Exact Sciences
Classification: Benign for CKAP2L-related condition. Last evaluated: 2026-06-29. Review status: criteria provided, single submitter. Criteria: ACMG Guidelines, 2015. Collection method: clinical testing. Allele origin: germline.
Comment: This variant is classified as benign based on ACMG/AMP sequence variant interpretation guidelines (Richards et al. 2015 PMID: 25741868, with internal and published modifications).

Labcorp Genetics (formerly Invitae), Labcorp
Classification: Benign. Last evaluated: 2025-12-25. Review status: criteria provided, single submitter. Criteria: Invitae Variant Classification Sherloc (09022015). Collection method: clinical testing. Allele origin: germline.

Blueprint Genetics
Classification: Likely benign. Last evaluated: 2024-10-18. Review status: criteria provided, single submitter. Criteria: ACMG Guidelines, 2015. Collection method: clinical testing. Allele origin: germline.

Breakthrough Genomics
Classification: Benign. Review status: criteria provided, single submitter. Criteria: ACMG Guidelines, 2015. Collection method: not provided. Allele origin: germline. Inheritance: Autosomal recessive inheritance. Affected: yes.